The following is an entry in ClinVar:

ClinVar aggregate classification (germline): Uncertain significance (1 of 4 stars; one submission).

Conditions:
Inborn genetic diseases. Identifiers: MedGen C0950123, MeSH D030342.

gnomAD v4.1: 8 of 1,613,786 alleles (0.0005%); highest among the groups gnomAD compares: Non-Finnish European, 0.00068%; no homozygotes.

Submission:

Ambry Genetics
Classification: Uncertain significance for Inborn genetic diseases. Last evaluated: 2026-08-31. Review status: criteria provided, single submitter. Criteria: Ambry Variant Classification Scheme 2023. Collection method: clinical testing. Allele origin: germline.
Comment: The p.P592L variant (also known as c.1775C>T), located in coding exon 12 of the LTBP3 gene, results from a C to T substitution at nucleotide position 1775. The proline at codon 592 is replaced by leucine, an amino acid with similar properties. This amino acid position is conserved. In addition, this alteration is predicted to be tolerated by in silico analysis. Based on the available evidence, the clinical significance of this variant remains unclear.

NM_001130144.3(LTBP3):c.1775C>T (p.Pro592Leu)

Gene: LTBP3 (latent transforming growth factor beta binding protein 3; minus strand). Cytogenetic location: 11q13.1.
Variant type: single nucleotide variant.
Coding change: c.1775C>T on transcript NM_001130144.3 (MANE Select); coding-DNA position 1775, C replaced by T.
Protein change: p.Pro592Leu; replaces proline 592 with leucine.
Molecular consequence: missense variant.
Genome position (GRCh38, 1-based): chr11:65,547,991, G>A on the plus strand (C>T on the coding strand, the complement: LTBP3 is on the minus strand). VCF-style: chr11-65547991-G-A. GRCh37 (hg19) VCF-style: chr11-65315462-G-A.
Other names: c.1424C>T, p.Pro475Leu (NM_001164266.1); c.1775C>T, p.Pro592Leu (NM_021070.4); short protein forms P475L, P592L.
Identifiers: ClinVar variation 5023716 (VCV005023716.1).